The following is an entry in ClinVar:

NM_017617.5(NOTCH1):c.2207+6C>T

Gene: NOTCH1 (notch receptor 1; minus strand). Cytogenetic location: 9q34.3.
Variant type: single nucleotide variant.
Coding change: c.2207+6C>T on transcript NM_017617.5 (MANE Select); 6 bases into the intron after coding-DNA position 2207, C replaced by T.
Molecular consequence: intron variant.
Genome position (GRCh38, 1-based): chr9:136,514,504, G>A on the plus strand (C>T on the coding strand, the complement: NOTCH1 is on the minus strand). VCF-style: chr9-136514504-G-A. GRCh37 (hg19) VCF-style: chr9-139408956-G-A.
Identifiers: ClinVar variation 1040567 (VCV001040567.8), dbSNP rs545872006, ClinGen allele CA5341457.

ClinVar aggregate classification (germline): Uncertain significance (1 of 4 stars; one submission).

Conditions:
Adams-Oliver syndrome 5 (AOS5). Identifiers: Orphanet 974, MedGen C4014970, MONDO:0014459, OMIM 616028.

Allele frequency attached by ClinVar (database versions not stated): gnomAD exomes 0.00001; gnomAD 0.00004 and 0.00005; TOPMed 0.00005; ExAC 0.00008.
gnomAD v4.1: 27 of 1,568,100 alleles (0.0017%); highest among the groups gnomAD compares: African/African-American, 0.016%; no homozygotes.

Submission:

Labcorp Genetics (formerly Invitae), Labcorp
Classification: Uncertain significance for Adams-Oliver syndrome 5. Last evaluated: 2025-12-14. Review status: criteria provided, single submitter. Criteria: Invitae Variant Classification Sherloc (09022015). Collection method: clinical testing. Allele origin: germline.
Comment: This sequence change falls in intron 13 of the NOTCH1 gene. It does not directly change the encoded amino acid sequence of the NOTCH1 protein. It affects a nucleotide within the consensus splice site. The frequency data for this variant in the population databases is considered unreliable, as metrics indicate poor data quality at this position in the gnomAD database. This variant has not been reported in the literature in individuals affected with NOTCH1-related conditions. ClinVar contains an entry for this variant (Variation ID: 1040567). Variants that disrupt the consensus splice site are a relatively common cause of aberrant splicing (PMID: 17576681, 9536098). Algorithms developed to predict the effect of sequence changes on RNA splicing suggest that this variant is not likely to affect RNA splicing. In summary, the available evidence is currently insufficient to determine the role of this variant in disease. Therefore, it has been classified as a Variant of Uncertain Significance.

Literature cited by the submitters: PubMed 17576681; PubMed 9536098.